The following is an entry in ClinVar:

NM_001040108.2(MLH3):c.1397C>A (p.Ser466Ter)

Gene: MLH3 (mutL homolog 3; minus strand). Cytogenetic location: 14q24.3.
Variant type: single nucleotide variant.
Coding change: c.1397C>A on transcript NM_001040108.2 (MANE Select); coding-DNA position 1397, C replaced by A.
Protein change: p.Ser466Ter; replaces serine 466 with a stop codon.
Molecular consequence: nonsense.
Genome position (GRCh38, 1-based): chr14:75,048,259, G>T on the plus strand (C>A on the coding strand, the complement: MLH3 is on the minus strand). VCF-style: chr14-75048259-G-T. GRCh37 (hg19) VCF-style: chr14-75514962-G-T.
Other names: c.1397C>A, p.Ser466Ter (NM_014381.3); short protein forms S466*.
Identifiers: ClinVar variation 644666 (VCV000644666.8), dbSNP rs1594781006, ClinGen allele CA390445963.
Genomic context (GRCh38, chr14:75,048,259, plus strand): 5'-TTCTCATTTTCTCCAGCTTCTGATGCTACAATTGTCTCTTGTTCTAACATCTTTGATTCT[G>T]AGCAAGAGCTGTCTTTGTTTTGTAAAGATGGCTCTGTCATTTTGCTATGGCCTGGACCAC-3'

ClinVar aggregate classification (germline): Uncertain significance (1 of 4 stars; one submission).

Conditions:
Colorectal cancer, hereditary nonpolyposis, type 7. Identifiers: Orphanet 144, MedGen C1858380, MONDO:0013725, OMIM 614385.

Submission:

Labcorp Genetics (formerly Invitae), Labcorp
Classification: Uncertain significance for Colorectal cancer, hereditary nonpolyposis, type 7. Last evaluated: 2025-02-03. Review status: criteria provided, single submitter. Criteria: Invitae Variant Classification Sherloc (09022015). Collection method: clinical testing. Allele origin: germline.
Comment: This sequence change creates a premature translational stop signal (p.Ser466*) in the MLH3 gene. It is expected to result in an absent or disrupted protein product. However, the current clinical and genetic evidence is not sufficient to establish whether loss-of-function variants in MLH3 cause disease. This variant is not present in population databases (gnomAD no frequency). This premature translational stop signal has been observed in individual(s) with Lynch syndrome whom also carried a pathogenic variant in MLH1 (PMID: 30614234). ClinVar contains an entry for this variant (Variation ID: 644666). In summary, the available evidence is currently insufficient to determine the role of this variant in disease. Therefore, it has been classified as a Variant of Uncertain Significance.

Literature cited by the submitters: PubMed 30614234.